The following is an entry in ClinVar:

ClinVar aggregate classification (germline): Conflicting classifications of pathogenicity. Review status: criteria provided, conflicting classifications (1 of 4 stars). 3 submissions from 3 submitters: Uncertain significance (2); Likely benign (1). Last evaluated 2025-07-14.

Conditions:
Hereditary cancer-predisposing syndrome. Also called: Tumor predisposition; Hereditary Cancer Syndrome; Hereditary neoplastic syndrome; Neoplastic Syndromes, Hereditary. Identifiers: Orphanet 140162, MedGen C0027672, MeSH D009386, MONDO:0015356.
Familial cancer of breast. Also called: BREAST CANCER, FAMILIAL; Hereditary breast cancer; hereditary breast carcinoma. Identifiers: Orphanet 227535, MedGen C0346153, MONDO:0016419, OMIM 114480. Disease mechanism: loss of function.

gnomAD v4.1: 3 of 1,614,070 alleles (0.00019%); highest among the groups gnomAD compares: Non-Finnish European, 0.00025%; no homozygotes.

Submissions (3):

Labcorp Genetics (formerly Invitae), Labcorp
Classification: Uncertain significance for Familial cancer of breast. Last evaluated: 2025-07-14. Review status: criteria provided, single submitter. Criteria: Invitae Variant Classification Sherloc (09022015). Collection method: clinical testing. Allele origin: germline.
Comment: This sequence change replaces histidine, which is basic and polar, with asparagine, which is neutral and polar, at codon 1170 of the PALB2 protein (p.His1170Asn). This variant is not present in population databases (gnomAD no frequency). This variant has not been reported in the literature in individuals affected with PALB2-related conditions. ClinVar contains an entry for this variant (Variation ID: 410119). An algorithm developed to predict the effect of missense changes on protein structure and function (PolyPhen-2) suggests that this variant is likely to be disruptive. In summary, the available evidence is currently insufficient to determine the role of this variant in disease. Therefore, it has been classified as a Variant of Uncertain Significance.

Ambry Genetics
Classification: Likely benign for Hereditary cancer-predisposing syndrome. Last evaluated: 2024-06-03. Review status: criteria provided, single submitter. Criteria: Ambry Variant Classification Scheme 2023. Collection method: clinical testing. Allele origin: germline.

Color Diagnostics, LLC DBA Color Health
Classification: Uncertain significance for Hereditary cancer-predisposing syndrome. Last evaluated: 2019-08-01. Review status: criteria provided, single submitter. Criteria: ACMG Guidelines, 2015. Collection method: clinical testing. Allele origin: germline.
Comment: This missense variant replaces histidine with asparagine at codon 1170 of the PALB2 protein. Computational prediction tools and conservation analyses are inconclusive regarding the impact of this variant on the protein function. Computational splicing tools suggest that this variant may not impact RNA splicing. To our knowledge, functional assays have not been performed for this variant nor has this variant been reported in individuals affected with hereditary cancer in the literature. This variant has not been identified in the general population by the Genome Aggregation Database (gnomAD). Available evidence is insufficient to determine the role of this variant in disease conclusively. Therefore, this variant is classified as a Variant of Uncertain Significance.

NM_024675.4(PALB2):c.3508C>A (p.His1170Asn)

Gene: PALB2 (partner and localizer of BRCA2; minus strand). Cytogenetic location: 16p12.2.
Variant type: single nucleotide variant.
Coding change: c.3508C>A on transcript NM_024675.4 (MANE Select); coding-DNA position 3508, C replaced by A.
Protein change: p.His1170Asn; replaces histidine 1170 with asparagine.
Molecular consequence: missense variant.
Genome position (GRCh38, 1-based): chr16:23,603,512, G>T on the plus strand (C>A on the coding strand, the complement: PALB2 is on the minus strand). VCF-style: chr16-23603512-G-T. GRCh37 (hg19) VCF-style: chr16-23614833-G-T.
Other names: short protein forms H1170N.
Identifiers: ClinVar variation 410119 (VCV000410119.16), dbSNP rs200283306, ClinGen allele CA16614807.